The following is an entry in ClinVar:

ClinVar aggregate classification (germline): Uncertain significance (1 of 4 stars; one submission).

Allele frequency attached by ClinVar (database versions not stated): gnomAD exomes below 0.00001; TOPMed below 0.00001; gnomAD 0.00001.
gnomAD v4.1: 5 of 1,591,324 alleles (0.00031%); highest among the groups gnomAD compares: Non-Finnish European, 0.00043%; no homozygotes.

Submission:

Labcorp Genetics (formerly Invitae), Labcorp
Classification: Uncertain significance. Last evaluated: 2022-04-02. Review status: criteria provided, single submitter. Criteria: Invitae Variant Classification Sherloc (09022015). Collection method: clinical testing. Allele origin: germline.
Comment: This sequence change affects codon 572 of the SI mRNA. It is a 'silent' change, meaning that it does not change the encoded amino acid sequence of the SI protein. It affects a nucleotide within the consensus splice site. This variant is not present in population databases (gnomAD no frequency). This variant has not been reported in the literature in individuals affected with SI-related conditions. Algorithms developed to predict the effect of sequence changes on RNA splicing suggest that this variant is not likely to affect RNA splicing. In summary, the available evidence is currently insufficient to determine the role of this variant in disease. Therefore, it has been classified as a Variant of Uncertain Significance.

NM_001041.4(SI):c.1716A>G (p.Gln572=)

Gene: SI (sucrase-isomaltase; minus strand). Cytogenetic location: 3q26.1.
Variant type: single nucleotide variant.
Coding change: c.1716A>G on transcript NM_001041.4 (MANE Select); coding-DNA position 1716, A replaced by G.
Protein change: p.Gln572=; no amino-acid change (glutamine 572 retained).
Molecular consequence: synonymous variant.
Genome position (GRCh38, 1-based): chr3:165,047,012, T>C on the plus strand (A>G on the coding strand, the complement: SI is on the minus strand). VCF-style: chr3-165047012-T-C. GRCh37 (hg19) VCF-style: chr3-164764800-T-C.
Identifiers: ClinVar variation 2067970 (VCV002067970.4), dbSNP rs1303872460, ClinGen allele CA436706731.